The following is an entry in ClinVar:

ClinVar aggregate classification (germline): Uncertain significance (1 of 4 stars; one submission).

Conditions:
Deficiency of steroid 17-alpha-monooxygenase. Also called: 17-ALPHA-HYDROXYLASE DEFICIENCY; Congenital adrenal hyperplasia due to 17-alpha-hydroxylase deficiency; Congenital adrenal hyperplasia type 5; ADRENAL HYPERPLASIA V; 17-alpha-hydroxylase/17,20-lyase deficiency. Identifiers: Orphanet 90793, MedGen C0268285, MONDO:0008730, OMIM 202110.

Submission:

Juno Genomics, Hangzhou Juno Genomics, Inc
Classification: Uncertain significance for Deficiency of steroid 17-alpha-monooxygenase. Review status: criteria provided, single submitter. Criteria: ACMG Guidelines, 2015. Collection method: clinical testing. Allele origin: germline. Affected: yes.
Comment: Absent from controls (or at extremely low frequency if recessive) in Genome Aggregation Database, Exome Sequencing Project, 1000 Genomes Project, or Exome Aggregation Consortium.;For recessive disorders, detected in trans with a pathogenic variant.;Patient's phenotype or family history is highly specific for a disease with a single genetic etiology.

NM_000102.4(CYP17A1):c.1096G>T (p.Val366Leu)

Gene: CYP17A1 (cytochrome P450 family 17 subfamily A member 1; minus strand). Cytogenetic location: 10q24.32.
Variant type: single nucleotide variant.
Coding change: c.1096G>T on transcript NM_000102.4 (MANE Select); coding-DNA position 1096, G replaced by T.
Protein change: p.Val366Leu; replaces valine 366 with leucine.
Molecular consequence: missense variant.
Genome position (GRCh38, 1-based): chr10:102,832,554, C>A on the plus strand (G>T on the coding strand, the complement: CYP17A1 is on the minus strand). VCF-style: chr10-102832554-C-A. GRCh37 (hg19) VCF-style: chr10-104592311-C-A.
Other names: short protein forms V366L.
Identifiers: ClinVar variation 3382996 (VCV003382996.2).